The following is an entry in ClinVar:

ClinVar aggregate classification (germline): Conflicting classifications of pathogenicity. Review status: criteria provided, conflicting classifications (1 of 4 stars). 4 submissions from 4 submitters: Uncertain significance (1); Likely benign (3). Last evaluated 2026-01-01.

Conditions:
RYR1-related disorder. Also called: RYR1-related condition; RYR1-related disorders. Identifiers: MedGen CN239331.
Malignant hyperthermia, susceptibility to, 1 (MHS1). Also called: Anesthesia related hyperthermia; Malignant hyperpyrexia; Fulminating hyperpyrexia; Pharmacogenic myopathy; RYR1-Related Malignant Hyperthermia Susceptibility; Malignant hyperthermia suceptibility 1. Identifiers: Orphanet 423, MedGen C2930980, MONDO:0007783, OMIM 145600.

Allele frequency attached by ClinVar (database versions not stated): ExAC 0.00008; 1000 Genomes Project 0.00020; 1000 Genomes Project 30x 0.00047.
gnomAD v4.1: 102 of 1,613,952 alleles (0.0063%); highest among the groups gnomAD compares: South Asian, 0.082%; 1 homozygote.

Submissions (4):

Labcorp Genetics (formerly Invitae), Labcorp
Classification: Likely benign for RYR1-related disorder. Last evaluated: 2026-01-01. Review status: criteria provided, single submitter. Criteria: Invitae Variant Classification Sherloc (09022015). Collection method: clinical testing. Allele origin: germline.

All of Us Research Program, National Institutes of Health
Classification: Likely benign for Malignant hyperthermia, susceptibility to, 1. Last evaluated: 2023-10-02. Review status: criteria provided, single submitter. Criteria: ACMG Guidelines, 2015. Collection method: clinical testing. Allele origin: germline. Inheritance: Autosomal dominant inheritance. Observed: 3 variant alleles, 3 heterozygotes.
Comment: This study involves interpretation of variants in research participants for the purpose of population health screening. Participant phenotype was not available at the time of variant classification. Additional details can be found in publication PMID: 35346344, PMCID: PMC8962531

Color Diagnostics, LLC DBA Color Health
Classification: Likely benign for Malignant hyperthermia, susceptibility to, 1. Last evaluated: 2022-11-06. Review status: criteria provided, single submitter. Criteria: ACMG Guidelines, 2015. Collection method: clinical testing. Allele origin: germline.

Revvity Omics, Revvity
Classification: Uncertain significance. Last evaluated: 2021-02-22. Review status: criteria provided, single submitter. Criteria: ACMG Guidelines, 2015. Collection method: clinical testing. Allele origin: germline.

NM_000540.3(RYR1):c.14559C>T (p.Thr4853=)

Gene: RYR1 (ryanodine receptor 1; plus strand). Cytogenetic location: 19q13.2.
Variant type: single nucleotide variant.
Coding change: c.14559C>T on transcript NM_000540.3 (MANE Select); coding-DNA position 14559, C replaced by T.
Protein change: p.Thr4853=; no amino-acid change (threonine 4853 retained).
Molecular consequence: synonymous variant.
Genome position (GRCh38, 1-based): chr19:38,580,417, C>T. VCF-style: chr19-38580417-C-T. GRCh37 (hg19) VCF-style: chr19-39071057-C-T.
Other names: c.14559C>T (NM_000540.2); c.14544C>T, p.Thr4848= (NM_001042723.2).
Identifiers: ClinVar variation 1140636 (VCV001140636.12), dbSNP rs570469685, ClinGen allele CA061387.